The following is an entry in ClinVar:

NM_007118.4(TRIO):c.7352C>A (p.Ala2451Asp)

Gene: TRIO (trio Rho guanine nucleotide exchange factor; plus strand). Cytogenetic location: 5p15.2.
Variant type: single nucleotide variant.
Coding change: c.7352C>A on transcript NM_007118.4 (MANE Select); coding-DNA position 7352, C replaced by A.
Protein change: p.Ala2451Asp; replaces alanine 2451 with aspartic acid.
Molecular consequence: missense variant.
Genome position (GRCh38, 1-based): chr5:14,487,980, C>A. VCF-style: chr5-14487980-C-A. GRCh37 (hg19) VCF-style: chr5-14488089-C-A.
Other names: c.7352C>A (NM_007118.3); short protein forms A2451D.
Identifiers: ClinVar variation 2364149 (VCV002364149.11), dbSNP rs753390682, ClinGen allele CA3207380.

ClinVar aggregate classification (germline): Likely benign. Review status: criteria provided, multiple submitters, no conflicts (2 of 4 stars). 4 submissions from 4 submitters: Likely benign (3). 1 of the submissions does not count toward it. Last evaluated 2025-10-01.

Conditions:
Inborn genetic diseases. Identifiers: MedGen C0950123, MeSH D030342.
TRIO-related disorder. Also called: TRIO-related condition; TRIO-related disorders.

gnomAD v4.1: 125 of 1,555,868 alleles (0.008%); highest among the groups gnomAD compares: East Asian, 0.044%; 2 homozygotes.

Submissions (4):

CeGaT Center for Human Genetics Tuebingen
Classification: Likely benign. Last evaluated: 2025-10-01. Review status: criteria provided, single submitter. Criteria: CeGaT Center For Human Genetics Tuebingen Variant Classification Criteria Version 2. Collection method: clinical testing. Allele origin: germline. Affected: yes. Observed: 1 variant allele.
Comment: TRIO: BS1

Blueprint Genetics
Classification: Likely benign. Last evaluated: 2024-11-25. Review status: criteria provided, single submitter. Criteria: ACMG Guidelines, 2015. Collection method: clinical testing. Allele origin: germline.

Ambry Genetics
Classification: Likely benign for Inborn genetic diseases. Last evaluated: 2022-01-18. Review status: criteria provided, single submitter. Criteria: Ambry Variant Classification Scheme 2023. Collection method: clinical testing. Allele origin: germline.

PreventionGenetics, part of Exact Sciences
Classification: Likely benign for TRIO-related condition. Last evaluated: 2023-12-18. Review status: no assertion criteria provided. Collection method: clinical testing. Allele origin: germline. Not counted in ClinVar's aggregate classification.
Comment: This variant is classified as likely benign based on ACMG/AMP sequence variant interpretation guidelines (Richards et al. 2015 PMID: 25741868, with internal and published modifications).